The following is an entry in ClinVar:

NM_031443.4(CCM2):c.1234dup (p.Arg412fs)

Gene: CCM2 (CCM2 scaffold protein; plus strand). Cytogenetic location: 7p13.
Variant type: Duplication.
Coding change: c.1234dup on transcript NM_031443.4 (MANE Select); coding-DNA position 1234, one base duplicated (C; older notation c.1234dupC).
Protein change: p.Arg412fs; shifts the reading frame from arginine 412.
Molecular consequence: frameshift variant. On other transcripts: non-coding transcript variant (1).
Genome position (GRCh38, 1-based): chr7:45,075,956, C duplicated; the last of 2 consecutive C bases (chr7:45,075,955-45,075,956); duplicating either gives the same sequence. VCF-style (leftmost placement, unchanged base first): chr7-45075954-A-AC. GRCh37 (hg19) VCF-style: chr7-45115553-A-AC.
Other names: c.1297dup, p.Arg433fs (NM_001029835.2); c.1060dup, p.Arg354fs (NM_001167934.2); c.961dup, p.Arg321fs (NM_001167935.2); c.1357dup, p.Arg453fs (NM_001363458.2); c.1183dup, p.Arg395fs (NM_001363459.2); c.1234dupC (NM_031443.3); short protein forms R354fs, R453fs, R395fs, R412fs, R321fs, R433fs.
Identifiers: ClinVar variation 590645 (VCV000590645.8), dbSNP rs1331484727, ClinGen allele CA574227805.

ClinVar aggregate classification (germline): Pathogenic/Likely pathogenic. Review status: criteria provided, multiple submitters, no conflicts (2 of 4 stars). 2 submissions from 2 submitters: Pathogenic (1); Likely pathogenic (1). Last evaluated 2025-10-28.

Conditions:
Cerebral cavernous malformation 2. Also called: Familial Cerebral Cavernous Malformation 2. Identifiers: Orphanet 221061, MedGen C1864041, MONDO:0011304, OMIM 603284.

Submissions (2):

Labcorp Genetics (formerly Invitae), Labcorp
Classification: Pathogenic for Cerebral cavernous malformation 2. Last evaluated: 2025-10-28. Review status: criteria provided, single submitter. Criteria: Invitae Variant Classification Sherloc (09022015). Collection method: clinical testing. Allele origin: germline.
Comment: This sequence change creates a premature translational stop signal (p.Arg412Profs*9) in the CCM2 gene. While this is not anticipated to result in nonsense mediated decay, it is expected to disrupt the last 33 amino acid(s) of the CCM2 protein. This variant is present in population databases (no rsID available, gnomAD 0.0009%). This variant has not been reported in the literature in individuals affected with CCM2-related conditions. ClinVar contains an entry for this variant (Variation ID: 590645). This variant disrupts a region of the CCM2 protein in which other variant(s) (p.Glu417Glyfs*3) have been determined to be pathogenic (PMID: 14740320, 24689081). This suggests that this is a clinically significant region of the protein, and that variants that disrupt it are likely to be disease-causing. For these reasons, this variant has been classified as Pathogenic.

PreventionGenetics, part of Exact Sciences
Classification: Likely pathogenic. Last evaluated: 2013-10-07. Review status: criteria provided, single submitter. Criteria: ACMG Guidelines, 2015. Collection method: clinical testing. Allele origin: germline.

Literature cited by the submitters: PubMed 14740320 (cited by Labcorp Genetics (formerly Invitae), Labcorp); PubMed 24689081 (cited by Labcorp Genetics (formerly Invitae), Labcorp).